The following is an entry in ClinVar:

ClinVar aggregate classification (germline): Uncertain significance (1 of 4 stars; one submission).

Conditions:
Neurodevelopmental disorder with or without hyperkinetic movements and seizures, autosomal dominant. Also called: Intellectual disability, autosomal dominant 8. Identifiers: MedGen C3280282, MONDO:0013655, OMIM 614254.

Submission:

Labcorp Genetics (formerly Invitae), Labcorp
Classification: Uncertain significance for Neurodevelopmental disorder with or without hyperkinetic movements and seizures, autosomal dominant. Last evaluated: 2025-10-22. Review status: criteria provided, single submitter. Criteria: Invitae Variant Classification Sherloc (09022015). Collection method: clinical testing. Allele origin: germline.
Comment: This sequence change replaces alanine, which is neutral and non-polar, with aspartic acid, which is acidic and polar, at codon 62 of the GRIN1 protein (p.Ala62Asp). This variant is not present in population databases (gnomAD no frequency). This variant has not been reported in the literature in individuals affected with GRIN1-related conditions. Invitae Evidence Modeling of protein sequence and biophysical properties (such as structural, functional, and spatial information, amino acid conservation, physicochemical variation, residue mobility, and thermodynamic stability) indicates that this missense variant is not expected to disrupt GRIN1 protein function with a negative predictive value of 95%. In summary, the available evidence is currently insufficient to determine the role of this variant in disease. Therefore, it has been classified as a Variant of Uncertain Significance.

NM_007327.4(GRIN1):c.185C>A (p.Ala62Asp)

Gene: GRIN1 (glutamate ionotropic receptor NMDA type subunit 1; plus strand). Cytogenetic location: 9q34.3.
Variant type: single nucleotide variant.
Coding change: c.185C>A on transcript NM_007327.4 (MANE Select); coding-DNA position 185, C replaced by A.
Protein change: p.Ala62Asp; replaces alanine 62 with aspartic acid.
Molecular consequence: missense variant.
Genome position (GRCh38, 1-based): chr9:137,139,671, C>A. VCF-style: chr9-137139671-C-A. GRCh37 (hg19) VCF-style: chr9-140034123-C-A.
Other names: c.185C>A, p.Ala62Asp (NM_000832.7, NM_001185090.2, NM_001185091.2 and 3 more transcripts); short protein forms A62D.
Identifiers: ClinVar variation 4747291 (VCV004747291.1).